The following is an entry in ClinVar:

NM_004937.3(CTNS):c.517T>C (p.Tyr173His)

Genes: CTNS-AS1 (CTNS antisense RNA 1; minus strand), CTNS (cystinosin, lysosomal cystine transporter; plus strand). Cytogenetic location: 17p13.2.
Variant type: single nucleotide variant.
Coding change: c.517T>C on transcript NM_004937.3 (MANE Select); coding-DNA position 517, T replaced by C.
Protein change: p.Tyr173His; replaces tyrosine 173 with histidine.
Molecular consequence: missense variant.
Genome position (GRCh38, 1-based): chr17:3,656,542, T>C. VCF-style: chr17-3656542-T-C. GRCh37 (hg19) VCF-style: chr17-3559836-T-C.
Other names: c.517T>C, p.Tyr173His (NM_001031681.3, NM_001374492.1); c.76T>C, p.Tyr26His (NM_001374493.1, NM_001374494.1, NM_001374495.1 and 1 more transcripts); short protein forms Y173H, Y26H.
Identifiers: ClinVar variation 2925594 (VCV002925594.4), dbSNP rs2076151594, ClinGen allele CA397691329.

ClinVar aggregate classification (germline): Likely pathogenic. Review status: criteria provided, multiple submitters, no conflicts (2 of 4 stars). 2 submissions from 2 submitters: Likely pathogenic (2). Last evaluated 2024-03-14.

Conditions:
Inborn genetic diseases. Identifiers: MedGen C0950123, MeSH D030342.
Ocular cystinosis. Also called: Non-Nephropathic (Ocular) Cystinosis; Non-Nephropathic Cystinosis. Identifiers: Orphanet 213, Orphanet 411641, MedGen C2931013, MONDO:0009064, OMIM 219750.
Juvenile nephropathic cystinosis. Also called: Later-Onset (Juvenile) Cystinosis; Intermediate Cystinosis; CYSTINOSIS, LATE-ONSET JUVENILE OR ADOLESCENT NEPHROPATHIC TYPE. Identifiers: Orphanet 213, Orphanet 411634, MedGen C0268626, MONDO:0009066, OMIM 219900.
Nephropathic cystinosis (CTNS). Also called: LYSOSOMAL CYSTINE TRANSPORT PROTEIN, DEFECT OF; Abderhalden Lignac Kaufmann disease; Abderhalden-Kaufmann-Lignac syndrome; CYSTINOSIN, DEFECT OF. Identifiers: Orphanet 213, Orphanet 411629, MedGen C2931187, MONDO:0100151, OMIM 219800.

Submissions (2):

Genomic Medicine Center of Excellence, King Faisal Specialist Hospital and Research Centre
Classification: Likely pathogenic for Cystinosis, nephropathic. Last evaluated: 2024-03-14. Review status: criteria provided, single submitter. Criteria: ACMG Guidelines, 2015. Collection method: clinical testing. Allele origin: germline.

Labcorp Genetics (formerly Invitae), Labcorp
Classification: Likely pathogenic for Inborn genetic diseases; Ocular cystinosis; Juvenile nephropathic cystinosis. Last evaluated: 2023-11-21. Review status: criteria provided, single submitter. Criteria: Invitae Variant Classification Sherloc (09022015). Collection method: clinical testing. Allele origin: germline.
Comment: This sequence change replaces tyrosine, which is neutral and polar, with histidine, which is basic and polar, at codon 173 of the CTNS protein (p.Tyr173His). This variant is not present in population databases (gnomAD no frequency). This missense change has been observed in individual(s) with cystinosis (PMID: 28983406). Advanced modeling of protein sequence and biophysical properties (such as structural, functional, and spatial information, amino acid conservation, physicochemical variation, residue mobility, and thermodynamic stability) performed at Invitae indicates that this missense variant is expected to disrupt CTNS protein function with a positive predictive value of 80%. This variant disrupts the p.Tyr173 amino acid residue in CTNS. Other variant(s) that disrupt this residue have been determined to be pathogenic (PMID: 21786142, 30214781, 35571017). This suggests that this residue is clinically significant, and that variants that disrupt this residue are likely to be disease-causing. In summary, the currently available evidence indicates that the variant is pathogenic, but additional data are needed to prove that conclusively. Therefore, this variant has been classified as Likely Pathogenic.

Literature cited by the submitters: PubMed 28983406 (cited by Labcorp Genetics (formerly Invitae), Labcorp); PubMed 21786142 (cited by Labcorp Genetics (formerly Invitae), Labcorp); PubMed 30214781 (cited by Labcorp Genetics (formerly Invitae), Labcorp); PubMed 35571017 (cited by Labcorp Genetics (formerly Invitae), Labcorp).